The following is an entry in ClinVar:

NM_170707.4(LMNA):c.1969-130C>A

Gene: LMNA (lamin A/C; plus strand). Cytogenetic location: 1q22.
Variant type: single nucleotide variant.
Coding change: c.1969-130C>A on transcript NM_170707.4 (MANE Select); 130 bases into the intron before coding-DNA position 1969, C replaced by A.
Molecular consequence: intron variant.
Genome position (GRCh38, 1-based): chr1:156,138,950, C>A. VCF-style: chr1-156138950-C-A. GRCh37 (hg19) VCF-style: chr1-156108741-C-A.
Other names: c.1969-130C>A (NM_001406983.1, NM_001406991.1, NM_001406985.1); c.1411-130C>A (NM_001406993.1, NM_001406995.1, NM_001406990.1 and 2 more transcripts); c.1345-130C>A (NM_001406999.1, NM_001407000.1, NM_001406994.1 and 1 more transcripts); c.1726-130C>A (NM_001406986.1, NM_001406987.1); c.1819-130C>A (NM_001282626.2); c.1879-130C>A (NM_170708.4); c.1633-130C>A (NM_001406989.1, NM_001257374.3); c.1672-130C>A (NM_001406988.1).
Identifiers: ClinVar variation 2639448 (VCV002639448.24), dbSNP rs1651896186, ClinGen allele CA1008050402.

ClinVar aggregate classification (germline): Uncertain significance (1 of 4 stars; one submission).

Allele frequency attached by ClinVar (database versions not stated): gnomAD exomes below 0.00001.
gnomAD v4.1: 4 of 1,310,168 alleles (0.00031%); highest among the groups gnomAD compares: Non-Finnish European, 0.00044%; no homozygotes.

Submission:

CeGaT Center for Human Genetics Tuebingen
Classification: Uncertain significance. Last evaluated: 2022-10-01. Review status: criteria provided, single submitter. Criteria: CeGaT Center For Human Genetics Tuebingen Variant Classification Criteria Version 2. Collection method: clinical testing. Allele origin: germline. Affected: yes. Observed: 1 variant allele.
Comment: LMNA: PM2